The following is an entry in ClinVar:

ClinVar aggregate classification (germline): Uncertain significance (1 of 4 stars; one submission).

Allele frequency attached by ClinVar (database versions not stated): ExAC 0.00001; gnomAD exomes 0.00002; TOPMed 0.00002.
gnomAD v4.1: 6 of 1,614,112 alleles (0.00037%); highest among the groups gnomAD compares: Admixed American, 0.01%; no homozygotes.

Submission:

Labcorp Genetics (formerly Invitae), Labcorp
Classification: Uncertain significance. Last evaluated: 2023-10-03. Review status: criteria provided, single submitter. Criteria: Invitae Variant Classification Sherloc (09022015). Collection method: clinical testing. Allele origin: germline.
Comment: This sequence change replaces valine, which is neutral and non-polar, with leucine, which is neutral and non-polar, at codon 306 of the SCN3A protein (p.Val306Leu). This variant is present in population databases (rs773352929, gnomAD 0.01%). This variant has not been reported in the literature in individuals affected with SCN3A-related conditions. ClinVar contains an entry for this variant (Variation ID: 659040). Advanced modeling of protein sequence and biophysical properties (such as structural, functional, and spatial information, amino acid conservation, physicochemical variation, residue mobility, and thermodynamic stability) performed at Invitae indicates that this missense variant is not expected to disrupt SCN3A protein function. In summary, the available evidence is currently insufficient to determine the role of this variant in disease. Therefore, it has been classified as a Variant of Uncertain Significance.

NM_006922.4(SCN3A):c.916G>C (p.Val306Leu)

Gene: SCN3A (sodium voltage-gated channel alpha subunit 3; minus strand). Cytogenetic location: 2q24.3.
Variant type: single nucleotide variant.
Coding change: c.916G>C on transcript NM_006922.4 (MANE Select); coding-DNA position 916, G replaced by C.
Protein change: p.Val306Leu; replaces valine 306 with leucine.
Molecular consequence: missense variant.
Genome position (GRCh38, 1-based): chr2:165,162,607, C>G on the plus strand (G>C on the coding strand, the complement: SCN3A is on the minus strand). VCF-style: chr2-165162607-C-G. GRCh37 (hg19) VCF-style: chr2-166019117-C-G.
Other names: c.916G>C, p.Val306Leu (NM_001081676.2, NM_001081677.2); short protein forms V306L.
Identifiers: ClinVar variation 659040 (VCV000659040.7), dbSNP rs773352929, ClinGen allele CA1939309.